The following is an entry in ClinVar:

NM_001374736.1(DST):c.3995A>G (p.Asp1332Gly)

Gene: DST (dystonin; minus strand). Cytogenetic location: 6p12.1.
Variant type: single nucleotide variant.
Coding change: c.3995A>G on transcript NM_001374736.1 (MANE Select); coding-DNA position 3995, A replaced by G.
Protein change: p.Asp1332Gly; replaces aspartic acid 1332 with glycine.
Molecular consequence: missense variant.
Genome position (GRCh38, 1-based): chr6:56,631,358, T>C on the plus strand (A>G on the coding strand, the complement: DST is on the minus strand). VCF-style: chr6-56631358-T-C. GRCh37 (hg19) VCF-style: chr6-56496156-T-C.
Other names: c.3896A>G, p.Asp1299Gly (NM_001144769.5); c.3482A>G, p.Asp1161Gly (NM_001144770.2); c.3995A>G, p.Asp1332Gly (NM_001374722.1); c.3362A>G, p.Asp1121Gly (NM_001374729.1, NM_001374730.1, NM_001386100.1 and 1 more transcripts); c.4022A>G, p.Asp1341Gly (NM_001374734.1); c.2384A>G, p.Asp795Gly (NM_001723.7, NM_015548.5); short protein forms D795G, D1121G, D1299G, D1332G, D1341G, D1161G.
Identifiers: ClinVar variation 2941378 (VCV002941378.3), dbSNP rs773452989, ClinGen allele CA3870992.

ClinVar aggregate classification (germline): Uncertain significance (1 of 4 stars; one submission).

Conditions:
Hereditary sensory and autonomic neuropathy type 6. Also called: HSAN VI; Neuropathy, hereditary sensory and autonomic, type VI. Identifiers: Orphanet 314381, MedGen C3539003, MONDO:0013839, OMIM 614653.
Epidermolysis bullosa simplex 3, localized or generalized intermediate, with BP230 deficiency (EBS3). Also called: Epidermolysis bullosa simplex due to BP230 deficiency; Epidermolysis bullosa simplex, autosomal recessive 2. Identifiers: Orphanet 412181, MedGen C3809470, MONDO:0014180, OMIM 615425.

Allele frequency attached by ClinVar (database versions not stated): ExAC 0.00001; gnomAD 0.00001.
gnomAD v4.1: 20 of 1,613,884 alleles (0.0012%); highest among the groups gnomAD compares: South Asian, 0.018%; no homozygotes.

Submission:

Labcorp Genetics (formerly Invitae), Labcorp
Classification: Uncertain significance for Epidermolysis bullosa simplex 3, localized or generalized intermediate, with BP230 deficiency; Hereditary sensory and autonomic neuropathy type 6. Last evaluated: 2024-01-22. Review status: criteria provided, single submitter. Criteria: Invitae Variant Classification Sherloc (09022015). Collection method: clinical testing. Allele origin: germline.
Comment: This sequence change replaces aspartic acid, which is acidic and polar, with glycine, which is neutral and non-polar, at codon 795 of the DST protein (p.Asp795Gly). This variant is present in population databases (rs773452989, gnomAD 0.01%). This variant has not been reported in the literature in individuals affected with DST-related conditions. Algorithms developed to predict the effect of missense changes on protein structure and function output the following: SIFT: "Not Available"; PolyPhen-2: "Benign"; Align-GVGD: "Not Available". The glycine amino acid residue is found in multiple mammalian species, which suggests that this missense change does not adversely affect protein function. In summary, the available evidence is currently insufficient to determine the role of this variant in disease. Therefore, it has been classified as a Variant of Uncertain Significance.